The following is an entry in ClinVar:

ClinVar aggregate classification (germline): Benign. Review status: criteria provided, single submitter (1 of 4 stars). 2 submissions from 2 submitters: Benign (1). 1 of the submissions does not count toward it. Last evaluated 2025-06-13.

Conditions:
CPAMD8-related disorder. Also called: CPAMD8-related condition.

Allele frequency attached by ClinVar (database versions not stated): ExAC 0.00046; ESP Exome Variant Server 0.00110; TOPMed 0.00144; 1000 Genomes Project 0.00260; 1000 Genomes Project 30x 0.00297.
gnomAD v4.1: 420 of 1,613,322 alleles (0.026%); highest among the groups gnomAD compares: African/African-American, 0.46%; 1 homozygote.

Submissions (2):

Labcorp Genetics (formerly Invitae), Labcorp
Classification: Benign. Last evaluated: 2025-06-13. Review status: criteria provided, single submitter. Criteria: Invitae Variant Classification Sherloc (09022015). Collection method: clinical testing. Allele origin: germline.

PreventionGenetics, part of Exact Sciences
Classification: Likely benign for CPAMD8-related condition. Last evaluated: 2019-05-28. Review status: no assertion criteria provided. Collection method: clinical testing. Allele origin: germline. Not counted in ClinVar's aggregate classification.
Comment: This variant is classified as likely benign based on ACMG/AMP sequence variant interpretation guidelines (Richards et al. 2015 PMID: 25741868, with internal and published modifications).

NM_015692.5(CPAMD8):c.276G>A (p.Thr92=)

Gene: CPAMD8 (C3 and PZP like alpha-2-macroglobulin domain containing 8; minus strand). Cytogenetic location: 19p13.11.
Variant type: single nucleotide variant.
Coding change: c.276G>A on transcript NM_015692.5 (MANE Select); coding-DNA position 276, G replaced by A.
Protein change: p.Thr92=; no amino-acid change (threonine 92 retained).
Molecular consequence: synonymous variant. On other transcripts: non-coding transcript variant (1).
Genome position (GRCh38, 1-based): chr19:17,011,749, C>T on the plus strand (G>A on the coding strand, the complement: CPAMD8 is on the minus strand). VCF-style: chr19-17011749-C-T. GRCh37 (hg19) VCF-style: chr19-17122559-C-T.
Other names: c.417G>A (NM_015692.2).
Identifiers: ClinVar variation 2059806 (VCV002059806.6), dbSNP rs143659566, ClinGen allele CA9286226.
Genomic context (GRCh38, chr19:17,011,749, plus strand): 5'-CCCCTCCTCCGCCTGCCAGCCGCGGCCCCACACTTTCAGAAGCGCTTGGCCCCGGAGGCC[C>T]GTGGGCACCTGCAGGCAGAGGAAGGAGCTTTGGGACAAGAATTCACCCTGGAATGGGCCA-3'
Protein context (NP_056507.3, residues 82-102): DKGTIKLKVP[Thr92=]GLRGQALLKV